The following is an entry in ClinVar:

ClinVar aggregate classification (germline): Likely benign (1 of 4 stars; one submission).

Conditions:
Juvenile polyposis syndrome (JPS). Identifiers: Orphanet 2929, MedGen C0345893, MONDO:0017380, OMIM 174900.

Submission:

Myriad Genetics, Inc.
Classification: Likely benign for Juvenile polyposis syndrome. Last evaluated: 2024-07-31. Review status: criteria provided, single submitter. Criteria: Myriad Autosomal Dominant, Autosomal Recessive and X-Linked Classification Criteria (2023). Collection method: clinical testing. Allele origin: unknown.
Comment: This variant is considered likely benign. This variant is intronic and is not expected to impact mRNA splicing.

NM_004329.3(BMPR1A):c.231-17del

Gene: BMPR1A (bone morphogenetic protein receptor type 1A; plus strand). Cytogenetic location: 10q23.2.
Variant type: Deletion.
Coding change: c.231-17del on transcript NM_004329.3 (MANE Select); 17 bases into the intron before coding-DNA position 231, one base deleted (G; older notation c.231-17delG).
Molecular consequence: intron variant.
Genome position (GRCh38, 1-based): chr10:86,892,110, G deleted. VCF-style (leftmost placement, unchanged base first): chr10-86892109-TG-T. GRCh37 (hg19) VCF-style: chr10-88651866-TG-T.
Other names: c.231-17del (NM_001406562.1, NM_001406568.1, NM_001406567.1 and 23 more transcripts); c.147-17del (NM_001406584.1, NM_001406588.1, NM_001406587.1 and 2 more transcripts).
Identifiers: ClinVar variation 3378604 (VCV003378604.1).
Genomic context (GRCh38, chr10:86,892,109, plus strand): 5'-TCACATTCAGACTCAAATTTCGTTAGTACTTTCTATGTGAATTTATGTTTTGTTTTGTTT[TG>T]TTTTTTTCTGTTTTAGAACTAATGGACATTGCTTTGCCATCATAGAAGAAGATGACCAGG-3'